The following is an entry in ClinVar:

NM_005076.5(CNTN2):c.1986C>A (p.Asn662Lys)

Gene: CNTN2 (contactin 2; plus strand). Cytogenetic location: 1q32.1.
Variant type: single nucleotide variant.
Coding change: c.1986C>A on transcript NM_005076.5 (MANE Select); coding-DNA position 1986, C replaced by A.
Protein change: p.Asn662Lys; replaces asparagine 662 with lysine.
Molecular consequence: missense variant. On other transcripts: non-coding transcript variant (1).
Genome position (GRCh38, 1-based): chr1:205,067,111, C>A. VCF-style: chr1-205067111-C-A. GRCh37 (hg19) VCF-style: chr1-205036239-C-A.
Other names: c.1986C>A, p.Asn662Lys (NM_001346083.2); short protein forms N662K.
Identifiers: ClinVar variation 648640 (VCV000648640.8), dbSNP rs140020952, ClinGen allele CA1351561.

ClinVar aggregate classification (germline): Uncertain significance. Review status: criteria provided, multiple submitters, no conflicts (2 of 4 stars). 2 submissions from 2 submitters: Uncertain significance (2). Last evaluated 2023-11-27.

Conditions:
Epilepsy, familial adult myoclonic, 5 (EPEO5). Also called: CORTICAL MYOCLONIC TREMOR WITH EPILEPSY, FAMILIAL, 5. Identifiers: Orphanet 86814, MedGen C3809374, MONDO:0014167, OMIM 615400.

Allele frequency attached by ClinVar (database versions not stated): ExAC 0.00003; gnomAD exomes 0.00004; TOPMed 0.00005; gnomAD 0.00006 and 0.00007; ESP Exome Variant Server 0.00015.
gnomAD v4.1: 43 of 1,610,288 alleles (0.0027%); highest among the groups gnomAD compares: Non-Finnish European, 0.0032%; no homozygotes.

Submissions (2):

Labcorp Genetics (formerly Invitae), Labcorp
Classification: Uncertain significance for Epilepsy, familial adult myoclonic, 5. Last evaluated: 2023-11-27. Review status: criteria provided, single submitter. Criteria: Invitae Variant Classification Sherloc (09022015). Collection method: clinical testing. Allele origin: germline.
Comment: This sequence change replaces asparagine, which is neutral and polar, with lysine, which is basic and polar, at codon 662 of the CNTN2 protein (p.Asn662Lys). This variant is present in population databases (rs140020952, gnomAD 0.007%). This variant has not been reported in the literature in individuals affected with CNTN2-related conditions. ClinVar contains an entry for this variant (Variation ID: 648640). Advanced modeling of protein sequence and biophysical properties (such as structural, functional, and spatial information, amino acid conservation, physicochemical variation, residue mobility, and thermodynamic stability) performed at Invitae indicates that this missense variant is not expected to disrupt CNTN2 protein function with a negative predictive value of 95%. In summary, the available evidence is currently insufficient to determine the role of this variant in disease. Therefore, it has been classified as a Variant of Uncertain Significance.

Ambry Genetics
Classification: Uncertain significance. Last evaluated: 2023-02-28. Review status: criteria provided, single submitter. Criteria: Ambry Variant Classification Scheme 2023. Collection method: clinical testing. Allele origin: germline.